The following is an entry in ClinVar:

ClinVar aggregate classification (germline): Pathogenic (1 of 4 stars; one submission).

Conditions:
Peroxisome biogenesis disorder. Identifiers: Orphanet 79189, MedGen C1832200, MONDO:0019234. Disease mechanism: loss of function.

Submission:

Labcorp Genetics (formerly Invitae), Labcorp
Classification: Pathogenic for Peroxisome biogenesis disorder. Last evaluated: 2022-09-23. Review status: criteria provided, single submitter. Criteria: Invitae Variant Classification Sherloc (09022015). Collection method: clinical testing. Allele origin: germline.
Comment: This sequence change creates a premature translational stop signal (p.Pro451Leufs*10) in the PEX6 gene. It is expected to result in an absent or disrupted protein product. Loss-of-function variants in PEX6 are known to be pathogenic (PMID: 8670792, 19877282, 21031596). This variant is not present in population databases (gnomAD no frequency). This variant has not been reported in the literature in individuals affected with PEX6-related conditions. For these reasons, this variant has been classified as Pathogenic.

Literature cited by the submitters: PubMed 8670792; PubMed 19877282; PubMed 21031596.

NM_000287.4(PEX6):c.1352del (p.Pro451fs)

Gene: PEX6 (peroxisomal biogenesis factor 6; minus strand). Cytogenetic location: 6p21.1.
Variant type: Deletion.
Coding change: c.1352del on transcript NM_000287.4 (MANE Select); coding-DNA position 1352, one base deleted (C; older notation c.1352delC).
Protein change: p.Pro451fs; shifts the reading frame from proline 451.
Molecular consequence: frameshift variant. On other transcripts: non-coding transcript variant (1).
Genome position (GRCh38, 1-based): chr6:42,969,683, G deleted on the plus strand (C on the coding strand, the reverse complement: PEX6 is on the minus strand); the first of 2 consecutive G bases (chr6:42,969,683-42,969,684); deleting either gives the same sequence. VCF-style (leftmost placement, unchanged base first): chr6-42969682-AG-A. GRCh37 (hg19) VCF-style: chr6-42937420-AG-A.
Other names: c.1088del, p.Pro363fs (NM_001316313.2); short protein forms P363fs, P451fs.
Identifiers: ClinVar variation 2030551 (VCV002030551.4), dbSNP rs2481233298, ClinGen allele CA2580074566.
Genomic context (GRCh38, chr6:42,969,682, plus strand): 5'-TTCTAAGCAGGCTTTTCTCACACCCTGGGGTGATGACCTCACTCACCCTGGCTGGAGGCG[AG>A]GCTTCAGGACAGCACAGAGTTCAGACACCAAGGCCTCCAGGCCTGGAGGAGACAAACTGC-3'